The following is an entry in ClinVar:

ClinVar aggregate classification (germline): Uncertain significance (1 of 4 stars; one submission).

Conditions:
Epilepsy, familial adult myoclonic, 5 (EPEO5). Also called: CORTICAL MYOCLONIC TREMOR WITH EPILEPSY, FAMILIAL, 5. Identifiers: Orphanet 86814, MedGen C3809374, MONDO:0014167, OMIM 615400.

Submission:

Labcorp Genetics (formerly Invitae), Labcorp
Classification: Uncertain significance for Epilepsy, familial adult myoclonic, 5. Last evaluated: 2022-07-25. Review status: criteria provided, single submitter. Criteria: Invitae Variant Classification Sherloc (09022015). Collection method: clinical testing. Allele origin: germline.
Comment: This sequence change replaces isoleucine, which is neutral and non-polar, with asparagine, which is neutral and polar, at codon 703 of the CNTN2 protein (p.Ile703Asn). In summary, the available evidence is currently insufficient to determine the role of this variant in disease. Therefore, it has been classified as a Variant of Uncertain Significance. Advanced modeling of protein sequence and biophysical properties (such as structural, functional, and spatial information, amino acid conservation, physicochemical variation, residue mobility, and thermodynamic stability) performed at Invitae indicates that this missense variant is not expected to disrupt CNTN2 protein function. ClinVar contains an entry for this variant (Variation ID: 1440873). This variant has not been reported in the literature in individuals affected with CNTN2-related conditions. This variant is not present in population databases (gnomAD no frequency).

NM_005076.5(CNTN2):c.2108T>A (p.Ile703Asn)

Gene: CNTN2 (contactin 2; plus strand). Cytogenetic location: 1q32.1.
Variant type: single nucleotide variant.
Coding change: c.2108T>A on transcript NM_005076.5 (MANE Select); coding-DNA position 2108, T replaced by A.
Protein change: p.Ile703Asn; replaces isoleucine 703 with asparagine.
Molecular consequence: missense variant. On other transcripts: non-coding transcript variant (1).
Genome position (GRCh38, 1-based): chr1:205,067,233, T>A. VCF-style: chr1-205067233-T-A. GRCh37 (hg19) VCF-style: chr1-205036361-T-A.
Other names: c.2108T>A, p.Ile703Asn (NM_001346083.2); short protein forms I703N.
Identifiers: ClinVar variation 1440873 (VCV001440873.8), dbSNP rs2151196671, ClinGen allele CA344377097.